The following is an entry in ClinVar:

NM_000278.5(PAX2):c.106G>A (p.Val36Met)

Gene: PAX2 (paired box 2; plus strand). Cytogenetic location: 10q24.31.
Variant type: single nucleotide variant.
Coding change: c.106G>A on transcript NM_000278.5 (MANE Select); coding-DNA position 106, G replaced by A.
Protein change: p.Val36Met; replaces valine 36 with methionine.
Molecular consequence: missense variant.
Genome position (GRCh38, 1-based): chr10:100,749,808, G>A. VCF-style: chr10-100749808-G-A. GRCh37 (hg19) VCF-style: chr10-102509565-G-A.
Other names: c.199G>A, p.Val67Met (NM_001304569.2); c.106G>A, p.Val36Met (NM_003987.5, NM_003988.5, NM_003989.5 and 1 more transcripts); short protein forms V36M, V67M.
Identifiers: ClinVar variation 3748101 (VCV003748101.1).
Genomic context (GRCh38, chr10:100,749,808, plus strand): 5'-GGGCACGGGGGTGTGAACCAGCTCGGGGGGGTGTTTGTGAACGGCCGGCCCCTACCCGAC[G>A]TGGTGAGGCAGCGCATCGTGGAGCTGGCCCACCAGGGTGTGCGGCCCTGTGACATCTCCC-3'
Protein context (NP_000269.3, residues 26-46): VFVNGRPLPD[Val36Met]VRQRIVELAH

ClinVar aggregate classification (germline): Uncertain significance (1 of 4 stars; one submission).

Conditions:
Renal coloboma syndrome (PAPRS). Also called: CONGENITAL ANOMALIES OF THE KIDNEY AND URINARY TRACT WITH OR WITHOUT OCULAR ABNORMALITIES; CAKUT WITH OR WITHOUT OCULAR ABNORMALITIES; COLOBOMA OF OPTIC NERVE WITH RENAL DISEASE; OPTIC COLOBOMA, VESICOURETERAL REFLUX, AND RENAL ANOMALIES; OPTIC NERVE COLOBOMA WITH RENAL DISEASE; RENAL-COLOBOMA SYNDROME WITH MACULAR ABNORMALITIES. Identifiers: Orphanet 1475, MedGen C1852759, MONDO:0007352, OMIM 120330.
Focal segmental glomerulosclerosis 7 (FSGS7). Identifiers: Orphanet 656, MedGen C4014925, MONDO:0014451, OMIM 616002.

gnomAD v4.1: 1 of 1,611,686 alleles (0.000062%); highest among the groups gnomAD compares: South Asian, 0.0011%; no homozygotes.

Submission:

Labcorp Genetics (formerly Invitae), Labcorp
Classification: Uncertain significance for Renal coloboma syndrome; Focal segmental glomerulosclerosis 7. Last evaluated: 2024-05-10. Review status: criteria provided, single submitter. Criteria: Invitae Variant Classification Sherloc (09022015). Collection method: clinical testing. Allele origin: germline.
Comment: This sequence change replaces valine, which is neutral and non-polar, with methionine, which is neutral and non-polar, at codon 36 of the PAX2 protein (p.Val36Met). This variant is present in population databases (rs770252038, gnomAD 0.006%). This variant has not been reported in the literature in individuals affected with PAX2-related conditions. Experimental studies and prediction algorithms are not available or were not evaluated, and the functional significance of this variant is currently unknown. In summary, the available evidence is currently insufficient to determine the role of this variant in disease. Therefore, it has been classified as a Variant of Uncertain Significance.